The following is an entry in ClinVar:

NM_201384.3(PLEC):c.2457+5_2457+6delinsTT

Gene: PLEC (plectin; minus strand). Cytogenetic location: 8q24.3.
Variant type: Indel.
Coding change: c.2457+5_2457+6delinsTT on transcript NM_201384.3 (MANE Select); bases 5 to 6 of the intron after coding-DNA position 2457, GC replaced by TT.
Molecular consequence: intron variant.
Genome position (GRCh38, 1-based): chr8:143,930,378-143,930,379, GC replaced by AA on the plus strand (GC replaced by TT on the coding strand, the reverse complement: PLEC is on the minus strand). VCF-style: chr8-143930378-GC-AA. GRCh37 (hg19) VCF-style: chr8-145004546-GC-AA.
Other names: c.2538+5_2538+6delinsTT (NM_001410941.1, NM_000445.5); c.2415+5_2415+6delinsTT (NM_201378.4); c.2391+5_2391+6delinsTT (NM_201379.3); c.2868+5_2868+6delinsTT (NM_201380.4); c.2361+5_2361+6delinsTT (NM_201381.3); c.2457+5_2457+6delinsTT (NM_201382.4); c.2469+5_2469+6delinsTT (NM_201383.3).
Identifiers: ClinVar variation 3760118 (VCV003760118.2).

ClinVar aggregate classification (germline): Uncertain significance (1 of 4 stars; one submission).

Conditions:
Epidermolysis bullosa simplex with nail dystrophy (EBS5D). Identifiers: MedGen C4225309, MONDO:0014661, OMIM 616487.
Epidermolysis bullosa simplex, Ogna type (EBS5A). Also called: EPIDERMOLYSIS BULLOSA SIMPLEX 5A, OGNA TYPE; Pidermolysis bullosa simplex 5A, Ogna type. Identifiers: Orphanet 79401, MedGen C0432317, MONDO:0007555, OMIM 131950.
Autosomal recessive limb-girdle muscular dystrophy type 2Q (LGMDR17). Also called: MUSCULAR DYSTROPHY, LIMB-GIRDLE, AUTOSOMAL RECESSIVE 17. Identifiers: Orphanet 254361, MedGen C3150989, MONDO:0013390, OMIM 613723.
Epidermolysis bullosa simplex 5B, with muscular dystrophy (EBS5B). Also called: EPIDERMOLYSIS BULLOSA SIMPLEX AND LIMB-GIRDLE MUSCULAR DYSTROPHY; Epidermolysis bullosa simplex with muscular dystrophy. Identifiers: Orphanet 257, MedGen C2931072, MONDO:0009181, OMIM 226670.
Epidermolysis bullosa simplex 5C, with pyloric atresia (EBS5C). Also called: PLEC1-Related Epidermolysis Bullosa with Pyloric Atresia; PLEC-Related Epidermolysis Bullosa with Pyloric Atresia; Epidermolysis bullosa simplex with pyloric atresia. Identifiers: Orphanet 158684, MedGen C2677349, MONDO:0012807, OMIM 612138.

Submission:

Labcorp Genetics (formerly Invitae), Labcorp
Classification: Uncertain significance for Autosomal recessive limb-girdle muscular dystrophy type 2Q; Epidermolysis bullosa simplex, Ogna type; Epidermolysis bullosa simplex with nail dystrophy; Epidermolysis bullosa simplex 5C, with pyloric atresia; Epidermolysis bullosa simplex 5B, with muscular dystrophy. Last evaluated: 2024-12-31. Review status: criteria provided, single submitter. Criteria: Invitae Variant Classification Sherloc (09022015). Collection method: clinical testing. Allele origin: germline.
Comment: This sequence change falls in intron 21 of the PLEC gene. It does not directly change the encoded amino acid sequence of the PLEC protein. It affects a nucleotide within the consensus splice site. Information on the frequency of this variant in the gnomAD database is not available, as this variant may be reported differently in the database. This variant has not been reported in the literature in individuals affected with PLEC-related conditions. Variants that disrupt the consensus splice site are a relatively common cause of aberrant splicing (PMID: 17576681, 9536098). Experimental studies and prediction algorithms are not available or were not evaluated, and the effect of this variant on mRNA splicing is currently unknown. In summary, the available evidence is currently insufficient to determine the role of this variant in disease. Therefore, it has been classified as a Variant of Uncertain Significance.

Literature cited by the submitters: PubMed 17576681; PubMed 9536098.